The following is an entry in ClinVar:

NM_182914.3(SYNE2):c.12647C>G (p.Ser4216Cys)

Gene: SYNE2 (spectrin repeat containing nuclear envelope protein 2; plus strand). Cytogenetic location: 14q23.2.
Variant type: single nucleotide variant.
Coding change: c.12647C>G on transcript NM_182914.3 (MANE Select); coding-DNA position 12647, C replaced by G.
Protein change: p.Ser4216Cys; replaces serine 4216 with cysteine.
Molecular consequence: missense variant.
Genome position (GRCh38, 1-based): chr14:64,113,378, C>G. VCF-style: chr14-64113378-C-G. GRCh37 (hg19) VCF-style: chr14-64580096-C-G.
Other names: c.12647C>G, p.Ser4216Cys (NM_015180.6); short protein forms S4216C.
Identifiers: ClinVar variation 2714420 (VCV002714420.3), dbSNP rs1416268364, ClinGen allele CA389957794.

ClinVar aggregate classification (germline): Uncertain significance (1 of 4 stars; one submission).

Conditions:
Emery-Dreifuss muscular dystrophy 5, autosomal dominant (EDMD5). Also called: EMERY-DREIFUSS MUSCULAR DYSTROPHY 5. Identifiers: Orphanet 261, MedGen C2751805, MONDO:0013072, OMIM 612999.

gnomAD v4.1: 4 of 1,614,126 alleles (0.00025%); highest among the groups gnomAD compares: Non-Finnish European, 0.00034%; no homozygotes.

Submission:

Labcorp Genetics (formerly Invitae), Labcorp
Classification: Uncertain significance for Emery-Dreifuss muscular dystrophy 5, autosomal dominant. Last evaluated: 2023-07-12. Review status: criteria provided, single submitter. Criteria: Invitae Variant Classification Sherloc (09022015). Collection method: clinical testing. Allele origin: germline.
Comment: In summary, the available evidence is currently insufficient to determine the role of this variant in disease. Therefore, it has been classified as a Variant of Uncertain Significance. An algorithm developed to predict the effect of missense changes on protein structure and function (PolyPhen-2) suggests that this variant is likely to be disruptive. This variant has not been reported in the literature in individuals affected with SYNE2-related conditions. This variant is not present in population databases (gnomAD no frequency). This sequence change replaces serine, which is neutral and polar, with cysteine, which is neutral and slightly polar, at codon 4216 of the SYNE2 protein (p.Ser4216Cys).